The following is an entry in ClinVar:

NC_000017.10:g.(?_59861625)_(59938906_?)dup

Gene: BRIP1 (BRCA1 interacting DNA helicase 1; minus strand). Cytogenetic location: 17q23.2.
Variant type: Duplication.
Identifiers: ClinVar variation 461052 (VCV000461052.2).

ClinVar aggregate classification (germline): Uncertain significance (1 of 4 stars; one submission).

Conditions:
Fanconi anemia complementation group J. Also called: BRIP1-Related Fanconi Anemia. Identifiers: Orphanet 84, MedGen C1836860, MONDO:0012187, OMIM 609054.
Familial cancer of breast. Also called: BREAST CANCER, FAMILIAL; hereditary breast carcinoma; Hereditary breast cancer. Identifiers: Orphanet 227535, MedGen C0346153, MONDO:0016419, OMIM 114480. Disease mechanism: loss of function.

Submission:

Labcorp Genetics (formerly Invitae), Labcorp
Classification: Uncertain significance for Familial cancer of breast; Fanconi anemia complementation group J. Last evaluated: 2017-02-18. Review status: criteria provided, single submitter. Criteria: Invitae Variant Classification Sherloc (09022015). Collection method: clinical testing. Allele origin: germline.
Comment: This variant is a gross duplication of the genomic region encompassing exons 2-11 of the BRIP1 gene. The 5' end of this event is unknown as it extends beyond the assayed region for this gene and therefore may encompass additional genes. The 3' boundary is likely confined to intron 11 of the BRIP1 gene. This variant has not been reported in the literature in individuals with a BRIP1-related disease. Experimental studies and prediction algorithms are not available for this variant, and the functional significance of the duplicated amino acids is currently unknown. In summary, the exact genomic location of this variant is unknown and the impact of this duplication on BRIP1 protein function has not been established. Therefore, it has been classified as a Variant of Uncertain Significance.